The following is an entry in ClinVar:

NM_020806.5(GPHN):c.1753G>C (p.Asp585His)

Gene: GPHN (gephyrin; plus strand). Cytogenetic location: 14q23.3.
Variant type: single nucleotide variant.
Coding change: c.1753G>C on transcript NM_020806.5 (MANE Select); coding-DNA position 1753, G replaced by C.
Protein change: p.Asp585His; replaces aspartic acid 585 with histidine.
Molecular consequence: missense variant.
Genome position (GRCh38, 1-based): chr14:67,143,366, G>C. VCF-style: chr14-67143366-G-C. GRCh37 (hg19) VCF-style: chr14-67610083-G-C.
Other names: c.1654G>C, p.Asp552His (NM_001024218.2); c.1813G>C, p.Asp605His (NM_001377514.1); c.1783G>C, p.Asp595His (NM_001377515.1); c.1774G>C, p.Asp592His (NM_001377516.1); c.1726G>C, p.Asp576His (NM_001377517.1); c.1711G>C, p.Asp571His (NM_001377518.1); c.1693G>C, p.Asp565His (NM_001377519.1); short protein forms D565H, D571H, D585H, D576H, D595H, D605H, D552H, D592H.
Identifiers: ClinVar variation 1406516 (VCV001406516.6), dbSNP rs1018860844, ClinGen allele CA263311044.
Genomic context (GRCh38, chr14:67,143,366, plus strand): 5'-CTATATCTAAAATCTTTTCCTTGTGTGTTAATTTCTTTGTCTTTATTTTTTTCCAGCCCA[G>C]ATGACTTACTCAATGCCTTGAATGAGGGTATCAGTCGTGCTGATGTCATCATCACATCAG-3'
Protein context (NP_065857.1, residues 575-595): INLGIVGDNP[Asp585His]DLLNALNEGI

ClinVar aggregate classification (germline): Uncertain significance (1 of 4 stars; one submission).

Conditions:
Sulfite oxidase deficiency due to molybdenum cofactor deficiency type C. Also called: Molybdenum cofactor deficiency C; Molybdenum cofactor deficiency, complementation group C. Identifiers: Orphanet 308400, Orphanet 833, MedGen C1854990, MONDO:0014212, OMIM 615501.

Allele frequency attached by ClinVar (database versions not stated): gnomAD exomes below 0.00001; TOPMed below 0.00001; gnomAD 0.00001.
gnomAD v4.1: 4 of 1,602,512 alleles (0.00025%); highest among the groups gnomAD compares: Non-Finnish European, 0.00034%; no homozygotes.

Submission:

Labcorp Genetics (formerly Invitae), Labcorp
Classification: Uncertain significance for Sulfite oxidase deficiency due to molybdenum cofactor deficiency type C. Last evaluated: 2025-08-29. Review status: criteria provided, single submitter. Criteria: Invitae Variant Classification Sherloc (09022015). Collection method: clinical testing. Allele origin: germline.
Comment: This sequence change replaces aspartic acid, which is acidic and polar, with histidine, which is basic and polar, at codon 585 of the GPHN protein (p.Asp585His). This variant is present in population databases (no rsID available, gnomAD 0.0009%). This variant has not been reported in the literature in individuals affected with GPHN-related conditions. ClinVar contains an entry for this variant (Variation ID: 1406516). Invitae Evidence Modeling of protein sequence and biophysical properties (such as structural, functional, and spatial information, amino acid conservation, physicochemical variation, residue mobility, and thermodynamic stability) indicates that this missense variant is not expected to disrupt GPHN protein function with a negative predictive value of 80%. In summary, the available evidence is currently insufficient to determine the role of this variant in disease. Therefore, it has been classified as a Variant of Uncertain Significance.